The following is an entry in ClinVar:

ClinVar aggregate classification (germline): Uncertain significance (1 of 4 stars; one submission).

Submission:

GeneDx
Classification: Uncertain significance. Last evaluated: 2024-02-12. Review status: criteria provided, single submitter. Criteria: GeneDx Variant Classification Process June 2021. Collection method: clinical testing. Allele origin: germline. Affected: yes.
Comment: Not observed at significant frequency in large population cohorts (gnomAD); In silico analysis supports that this missense variant has a deleterious effect on protein structure/function; Has not been previously published as pathogenic or benign to our knowledge

NM_006035.4(CDC42BPB):c.4622A>C (p.Asp1541Ala)

Gene: CDC42BPB (CDC42 binding protein kinase beta; minus strand). Cytogenetic location: 14q32.32.
Variant type: single nucleotide variant.
Coding change: c.4622A>C on transcript NM_006035.4 (MANE Select); coding-DNA position 4622, A replaced by C.
Protein change: p.Asp1541Ala; replaces aspartic acid 1541 with alanine.
Molecular consequence: missense variant.
Genome position (GRCh38, 1-based): chr14:102,939,917, T>G on the plus strand (A>C on the coding strand, the complement: CDC42BPB is on the minus strand). VCF-style: chr14-102939917-T-G. GRCh37 (hg19) VCF-style: chr14-103406254-T-G.
Other names: c.4544A>C, p.Asp1515Ala (NM_001411054.1); short protein forms D1515A, D1541A.
Identifiers: ClinVar variation 3368989 (VCV003368989.1).
Genomic context (GRCh38, chr14:102,939,917, plus strand): 5'-GGGACCTTGAAGACGAACCGCCTTTTGCTCCTGGTGCGCAGCATCTGCTTCTTGCTGTTG[T>G]CGGAGGTGTCCGGCACGTTGAGAACCGCTCCTGCAGAAGCAGAGCGCGCGGTGACGGTGC-3'
Protein context (NP_006026.3, residues 1531-1551): GAVLNVPDTS[Asp1541Ala]NSKKQMLRTR